The following is an entry in ClinVar:

ClinVar aggregate classification (germline): Uncertain significance (1 of 4 stars; one submission).

Conditions:
Growth hormone insensitivity with immune dysregulation 1, autosomal recessive. Also called: GROWTH HORMONE INSENSITIVITY DUE TO POSTRECEPTOR DEFECT; Laron syndrome with immunodeficiency; LARON SYNDROME DUE TO POSTRECEPTOR DEFECT; GROWTH HORMONE INSENSITIVITY SYNDROME WITH IMMUNE DYSREGULATION 1, AUTOSOMAL RECESSIVE. Identifiers: Orphanet 220465, MedGen C5435698, MONDO:0100211, OMIM 245590.

gnomAD v4.1: 2 of 1,613,668 alleles (0.00012%); highest among the groups gnomAD compares: African/African-American, 0.0027%; no homozygotes.

Submission:

Labcorp Genetics (formerly Invitae), Labcorp
Classification: Uncertain significance for Growth hormone insensitivity with immune dysregulation 1, autosomal recessive. Last evaluated: 2024-03-01. Review status: criteria provided, single submitter. Criteria: Invitae Variant Classification Sherloc (09022015). Collection method: clinical testing. Allele origin: germline.
Comment: This sequence change replaces isoleucine, which is neutral and non-polar, with leucine, which is neutral and non-polar, at codon 112 of the STAT5B protein (p.Ile112Leu). This variant is present in population databases (no rsID available, gnomAD 0.01%). This variant has not been reported in the literature in individuals affected with STAT5B-related conditions. ClinVar contains an entry for this variant (Variation ID: 1721814). Advanced modeling of protein sequence and biophysical properties (such as structural, functional, and spatial information, amino acid conservation, physicochemical variation, residue mobility, and thermodynamic stability) performed at Invitae indicates that this missense variant is not expected to disrupt STAT5B protein function with a negative predictive value of 80%. In summary, the available evidence is currently insufficient to determine the role of this variant in disease. Therefore, it has been classified as a Variant of Uncertain Significance.

NM_012448.4(STAT5B):c.334A>T (p.Ile112Leu)

Gene: STAT5B (signal transducer and activator of transcription 5B; minus strand). Cytogenetic location: 17q21.2.
Variant type: single nucleotide variant.
Coding change: c.334A>T on transcript NM_012448.4 (MANE Select); coding-DNA position 334, A replaced by T.
Protein change: p.Ile112Leu; replaces isoleucine 112 with leucine.
Molecular consequence: missense variant.
Genome position (GRCh38, 1-based): chr17:42,224,820, T>A on the plus strand (A>T on the coding strand, the complement: STAT5B is on the minus strand). VCF-style: chr17-42224820-T-A. GRCh37 (hg19) VCF-style: chr17-40376838-T-A.
Other names: short protein forms I112L.
Identifiers: ClinVar variation 1721814 (VCV001721814.6), dbSNP rs1190893544, ClinGen allele CA399590843.